The following is an entry in ClinVar:

NM_015631.6(TCTN3):c.56G>A (p.Gly19Asp)

Genes: TCTN3 (tectonic family member 3; minus strand), LOC130004408 (ATAC-STARR-seq lymphoblastoid active region 3801; plus strand). Cytogenetic location: 10q24.1.
Variant type: single nucleotide variant.
Coding change: c.56G>A on transcript NM_015631.6 (MANE Select); coding-DNA position 56, G replaced by A.
Protein change: p.Gly19Asp; replaces glycine 19 with aspartic acid.
Molecular consequence: missense variant.
Genome position (GRCh38, 1-based): chr10:95,693,844, C>T on the plus strand (G>A on the coding strand, the complement: TCTN3 is on the minus strand). VCF-style: chr10-95693844-C-T. GRCh37 (hg19) VCF-style: chr10-97453601-C-T.
Other names: c.110G>A, p.Gly37Asp (NM_001013840.1); c.56G>A, p.Gly19Asp (NM_001143973.2, NM_001410982.1); c.56G>A (NM_015631.5); short protein forms G19D, G37D.
Identifiers: ClinVar variation 2199441 (VCV002199441.2), dbSNP rs375924713, ClinGen allele CA5621204.

ClinVar aggregate classification (germline): Uncertain significance. Review status: criteria provided, multiple submitters, no conflicts (2 of 4 stars). 2 submissions from 2 submitters: Uncertain significance (2). Last evaluated 2024-03-15.

Conditions:
Joubert syndrome 18 (JBTS18). Identifiers: Orphanet 2754, MedGen C3553758, MONDO:0013896, OMIM 614815.
Orofacial-digital syndrome IV (OFD4). Also called: BARAITSER-BURN SYNDROME; OFD SYNDROME WITH TIBIAL DEFECTS; OFD SYNDROME, BARAITSER-BURN TYPE; OFDS IV; ORAL-FACIAL-DIGITAL SYNDROME, TYPE IV; Orofaciodigital syndrome IV. Identifiers: Orphanet 2753, MedGen C0406727, MONDO:0009794, OMIM 258860.
Inborn genetic diseases. Identifiers: MedGen C0950123, MeSH D030342.

Allele frequency attached by ClinVar (database versions not stated): gnomAD exomes below 0.00001; gnomAD 0.00004; ExAC 0.00005; TOPMed 0.00006; ESP Exome Variant Server 0.00022.
gnomAD v4.1: 8 of 1,551,570 alleles (0.00052%); highest among the groups gnomAD compares: African/African-American, 0.011%; no homozygotes.

Submissions (2):

Ambry Genetics
Classification: Uncertain significance for Inborn genetic diseases. Last evaluated: 2024-03-15. Review status: criteria provided, single submitter. Criteria: Ambry Variant Classification Scheme 2023. Collection method: clinical testing. Allele origin: germline.

Labcorp Genetics (formerly Invitae), Labcorp
Classification: Uncertain significance for Joubert syndrome 18; Orofacial-digital syndrome IV. Last evaluated: 2022-10-13. Review status: criteria provided, single submitter. Criteria: Invitae Variant Classification Sherloc (09022015). Collection method: clinical testing. Allele origin: germline.
Comment: This sequence change replaces glycine, which is neutral and non-polar, with aspartic acid, which is acidic and polar, at codon 19 of the TCTN3 protein (p.Gly19Asp). This variant is present in population databases (rs375924713, gnomAD 0.01%). This variant has not been reported in the literature in individuals affected with TCTN3-related conditions. Algorithms developed to predict the effect of missense changes on protein structure and function output the following: SIFT: "Tolerated"; PolyPhen-2: "Benign"; Align-GVGD: "Class C0". The aspartic acid amino acid residue is found in multiple mammalian species, which suggests that this missense change does not adversely affect protein function. In summary, the available evidence is currently insufficient to determine the role of this variant in disease. Therefore, it has been classified as a Variant of Uncertain Significance.